The following is an entry in ClinVar:

ClinVar aggregate classification (germline): Uncertain significance (1 of 4 stars; one submission).

gnomAD v4.1: 1 of 1,614,016 alleles (0.000062%); highest among the groups gnomAD compares: Non-Finnish European, 0.000085%; no homozygotes.

Submission:

Labcorp Genetics (formerly Invitae), Labcorp
Classification: Uncertain significance. Last evaluated: 2025-10-30. Review status: criteria provided, single submitter. Criteria: Invitae Variant Classification Sherloc (09022015). Collection method: clinical testing. Allele origin: germline.
Comment: This sequence change replaces histidine, which is basic and polar, with arginine, which is basic and polar, at codon 1486 of the POLE protein (p.His1486Arg). This variant is not present in population databases (gnomAD no frequency). This variant has not been reported in the literature in individuals affected with POLE-related conditions. Invitae Evidence Modeling of protein sequence and biophysical properties (such as structural, functional, and spatial information, amino acid conservation, physicochemical variation, residue mobility, and thermodynamic stability) indicates that this missense variant is not expected to disrupt POLE protein function with a negative predictive value of 80%. In summary, the available evidence is currently insufficient to determine the role of this variant in disease. Therefore, it has been classified as a Variant of Uncertain Significance.

NM_006231.4(POLE):c.4457A>G (p.His1486Arg)

Gene: POLE (DNA polymerase epsilon, catalytic subunit; minus strand). Cytogenetic location: 12q24.33.
Variant type: single nucleotide variant.
Coding change: c.4457A>G on transcript NM_006231.4 (MANE Select); coding-DNA position 4457, A replaced by G.
Protein change: p.His1486Arg; replaces histidine 1486 with arginine.
Molecular consequence: missense variant.
Genome position (GRCh38, 1-based): chr12:132,643,318, T>C on the plus strand (A>G on the coding strand, the complement: POLE is on the minus strand). VCF-style: chr12-132643318-T-C. GRCh37 (hg19) VCF-style: chr12-133219904-T-C.
Other names: short protein forms H1486R.
Identifiers: ClinVar variation 4699452 (VCV004699452.1).